The following is an entry in ClinVar:

NM_001492.6(GDF1):c.788C>T (p.Pro263Leu)

Genes: CERS1 (ceramide synthase 1; minus strand), GDF1 (growth differentiation factor 1; minus strand). Cytogenetic location: 19p13.11.
Variant type: single nucleotide variant.
Coding change: c.788C>T on transcript NM_001492.6 (MANE Select); coding-DNA position 788, C replaced by T.
Protein change: p.Pro263Leu; replaces proline 263 with leucine.
Molecular consequence: missense variant. On other transcripts: 3 prime UTR variant (2).
Genome position (GRCh38, 1-based): chr19:18,868,928, G>A on the plus strand (C>T on the coding strand, the complement: GDF1 is on the minus strand). VCF-style: chr19-18868928-G-A. GRCh37 (hg19) VCF-style: chr19-18979737-G-A.
Other names: c.*1649C>T (NM_001387440.1); c.*1057C>T (NM_021267.5); c.788C>T, p.Pro263Leu (NM_001387438.1); short protein forms P263L.
Identifiers: ClinVar variation 471938 (VCV000471938.11), dbSNP rs1555702266, ClinGen allele CA404862367.

ClinVar aggregate classification (germline): Uncertain significance (1 of 4 stars; one submission).

Submission:

Labcorp Genetics (formerly Invitae), Labcorp
Classification: Uncertain significance. Last evaluated: 2017-07-09. Review status: criteria provided, single submitter. Criteria: Invitae Variant Classification Sherloc (09022015). Collection method: clinical testing. Allele origin: germline.
Comment: In summary, the available evidence is currently insufficient to determine the role of this variant in disease. Therefore, it has been classified as a Variant of Uncertain Significance. Algorithms developed to predict the effect of missense changes on protein structure and function (SIFT, PolyPhen-2, Align-GVGD) all suggest that this variant is likely to be tolerated, but these predictions have not been confirmed by published functional studies and their clinical significance is uncertain. This variant has not been reported in the literature in individuals with GDF1-related disease. While this variant is not present in population databases, the frequency information is unreliable, as metrics indicate poor data quality at this position in the ExAC database. This sequence change replaces proline with leucine at codon 263 of the GDF1 protein (p.Pro263Leu). The proline residue is moderately conserved and there is a moderate physicochemical difference between proline and leucine.